The following is an entry in ClinVar:

ClinVar aggregate classification (germline): Uncertain significance (1 of 4 stars; one submission).

Conditions:
Hereditary breast ovarian cancer syndrome. Also called: BRCA1- and BRCA2-Associated Hereditary Breast and Ovarian Cancer; Hereditary breast and ovarian cancer syndrome; Hereditary breast and ovarian cancer; Hereditary breast and ovarian cancer syndrome (HBOC); Hereditary breast and/or ovarian cancer syndrome; Breast and ovarian cancer. Identifiers: Orphanet 145, MedGen C0677776, MeSH D061325, MONDO:0003582. Disease mechanism: loss of function.

Submission:

Labcorp Genetics (formerly Invitae), Labcorp
Classification: Uncertain significance for Hereditary breast ovarian cancer syndrome. Last evaluated: 2023-10-05. Review status: criteria provided, single submitter. Criteria: Invitae Variant Classification Sherloc (09022015). Collection method: clinical testing. Allele origin: germline.
Comment: This variant occurs in a non-coding region of the BRCA2 gene. It does not change the encoded amino acid sequence of the BRCA2 protein. This variant is not present in population databases (gnomAD no frequency). This variant has not been reported in the literature in individuals affected with BRCA2-related conditions. ClinVar contains an entry for this variant (Variation ID: 565656). Algorithms developed to predict the effect of sequence changes on RNA splicing suggest that this variant may create or strengthen a splice site. In summary, the available evidence is currently insufficient to determine the role of this variant in disease. Therefore, it has been classified as a Variant of Uncertain Significance.

NM_000059.4(BRCA2):c.-42C>T

Genes: BRCA2 (BRCA2 DNA repair associated; plus strand), LOC106721785 (BRCA2 promoter/silencer region; plus strand). Cytogenetic location: 13q13.1.
Variant type: single nucleotide variant.
Coding change: c.-42C>T on transcript NM_000059.4 (MANE Select); 42 bases upstream of the start codon, C replaced by T.
Molecular consequence: 5 prime UTR variant.
Genome position (GRCh38, 1-based): chr13:32,315,665, C>T. VCF-style: chr13-32315665-C-T. GRCh37 (hg19) VCF-style: chr13-32889802-C-T.
Identifiers: ClinVar variation 565656 (VCV000565656.10), dbSNP rs536354307, ClinGen allele CA247478123.